The following is an entry in ClinVar:

ClinVar aggregate classification (germline): Pathogenic. Review status: criteria provided, multiple submitters, no conflicts (2 of 4 stars). 5 submissions from 5 submitters: Pathogenic (4). 1 of the submissions does not count toward it. Last evaluated 2024-10-04.

Conditions:
Deficiency of transaldolase. Also called: EYAID SYNDROME. Identifiers: Orphanet 101028, MedGen C1291329, MONDO:0011624, OMIM 606003.

Allele frequency attached by ClinVar (database versions not stated): ExAC 0.00001; gnomAD 0.00001; gnomAD exomes 0.00002; TOPMed 0.00002.
gnomAD v4.1: 69 of 1,613,404 alleles (0.0043%); highest among the groups gnomAD compares: Non-Finnish European, 0.0055%; no homozygotes.

Submissions (5):

Dubai Health Genomic Medicine Center, Dubai Health
Classification: Pathogenic for Transaldolase deficiency. Last evaluated: 2024-10-04. Review status: criteria provided, single submitter. Criteria: ACMG Guidelines, 2015. Collection method: research. Allele origin: germline. Affected: yes.
Comment: PM3(very strong),PM2,PM5,PP3

GeneDx
Classification: Pathogenic. Last evaluated: 2024-03-19. Review status: criteria provided, single submitter. Criteria: GeneDx Variant Classification Process June 2021. Collection method: clinical testing. Allele origin: germline. Affected: yes.
Comment: In silico analysis supports that this missense variant has a deleterious effect on protein structure/function; This variant is associated with the following publications: (PMID: 18331807, 25388407, 27391121, 23315216, 27130472, 35186000, 30740741, 32828637, 37071763, 34677006, 31769880)

Labcorp Genetics (formerly Invitae), Labcorp
Classification: Pathogenic. Last evaluated: 2022-08-27. Review status: criteria provided, single submitter. Criteria: Invitae Variant Classification Sherloc (09022015). Collection method: clinical testing. Allele origin: germline.
Comment: For these reasons, this variant has been classified as Pathogenic. This variant disrupts the p.Arg192 amino acid residue in TALDO1. Other variant(s) that disrupt this residue have been determined to be pathogenic (PMID: 15877206, 24497183, 29292491). This suggests that this residue is clinically significant, and that variants that disrupt this residue are likely to be disease-causing. Algorithms developed to predict the effect of missense changes on protein structure and function (SIFT, PolyPhen-2, Align-GVGD) all suggest that this variant is likely to be disruptive. ClinVar contains an entry for this variant (Variation ID: 381759). This missense change has been observed in individual(s) with transaldolase deficiency (PMID: 18331807, 25388407). This variant is present in population databases (rs751425603, gnomAD 0.01%). This sequence change replaces arginine, which is basic and polar, with cysteine, which is neutral and slightly polar, at codon 192 of the TALDO1 protein (p.Arg192Cys).

Baylor Genetics
Classification: Pathogenic for Deficiency of transaldolase. Review status: criteria provided, single submitter. Criteria: ACMG Guidelines, 2015. Collection method: clinical testing. Allele origin: unknown.

OMIM
Classification: Pathogenic for TRANSALDOLASE DEFICIENCY. Last evaluated: 2020-06-15. Review status: no assertion criteria provided. Collection method: literature only. Allele origin: germline. Not counted in ClinVar's aggregate classification.

Literature cited by the submitters: PubMed 15877206 (cited by Labcorp Genetics (formerly Invitae), Labcorp); PubMed 24497183 (cited by Labcorp Genetics (formerly Invitae), Labcorp); PubMed 29292491 (cited by Labcorp Genetics (formerly Invitae), Labcorp); PubMed 18331807 (cited by Labcorp Genetics (formerly Invitae), Labcorp and OMIM); PubMed 25388407 (cited by Labcorp Genetics (formerly Invitae), Labcorp and OMIM); PubMed 25326635 (cited by Baylor Genetics).

NM_006755.2(TALDO1):c.574C>T (p.Arg192Cys)

Genes: TALDO1 (transaldolase 1; plus strand), LOC126861110 (CDK7 strongly-dependent group 2 enhancer GRCh37_chr11:762588-763787; plus strand). Cytogenetic location: 11p15.5.
Variant type: single nucleotide variant.
Coding change: c.574C>T on transcript NM_006755.2 (MANE Select); coding-DNA position 574, C replaced by T.
Protein change: p.Arg192Cys; replaces arginine 192 with cysteine.
Molecular consequence: missense variant.
Genome position (GRCh38, 1-based): chr11:763,456, C>T. VCF-style: chr11-763456-C-T. GRCh37 (hg19) VCF-style: chr11-763456-C-T.
Other names: Y192C; short protein forms R192C.
Identifiers: ClinVar variation 381759 (VCV000381759.13), dbSNP rs751425603, ClinGen allele CA5788214.